The following is an entry in ClinVar:

ClinVar aggregate classification (germline): Uncertain significance. Review status: criteria provided, multiple submitters, no conflicts (2 of 4 stars). 2 submissions from 2 submitters: Uncertain significance (2). Last evaluated 2023-10-06.

Conditions:
Familial cancer of breast. Also called: Hereditary breast cancer; BREAST CANCER, FAMILIAL; hereditary breast carcinoma. Identifiers: Orphanet 227535, MedGen C0346153, MONDO:0016419, OMIM 114480. Disease mechanism: loss of function.

Submissions (2):

Labcorp Genetics (formerly Invitae), Labcorp
Classification: Uncertain significance for Familial cancer of breast. Last evaluated: 2023-10-06. Review status: criteria provided, single submitter. Criteria: Invitae Variant Classification Sherloc (09022015). Collection method: clinical testing. Allele origin: germline.
Comment: This sequence change replaces glutamic acid, which is acidic and polar, with glutamine, which is neutral and polar, at codon 225 of the BARD1 protein (p.Glu225Gln). This variant is not present in population databases (gnomAD no frequency). This variant has not been reported in the literature in individuals affected with BARD1-related conditions. ClinVar contains an entry for this variant (Variation ID: 418057). Algorithms developed to predict the effect of missense changes on protein structure and function output the following: SIFT: "Not Available"; PolyPhen-2: "Benign"; Align-GVGD: "Not Available". The glutamine amino acid residue is found in multiple mammalian species, which suggests that this missense change does not adversely affect protein function. In summary, the available evidence is currently insufficient to determine the role of this variant in disease. Therefore, it has been classified as a Variant of Uncertain Significance.

GeneDx
Classification: Uncertain significance. Last evaluated: 2020-01-07. Review status: criteria provided, single submitter. Criteria: GeneDx Variant Classification Process June 2021. Collection method: clinical testing. Allele origin: germline. Affected: yes.
Comment: Not observed in large population cohorts (Lek et al., 2016); In silico analysis, which includes protein predictors and evolutionary conservation, supports that this variant does not alter protein structure/function; Has not been previously published as pathogenic or benign to our knowledge

NM_000465.4(BARD1):c.673G>C (p.Glu225Gln)

Gene: BARD1 (BRCA1 associated RING domain 1; minus strand). Cytogenetic location: 2q35.
Variant type: single nucleotide variant.
Coding change: c.673G>C on transcript NM_000465.4 (MANE Select); coding-DNA position 673, G replaced by C.
Protein change: p.Glu225Gln; replaces glutamic acid 225 with glutamine.
Molecular consequence: missense variant. On other transcripts: non-coding transcript variant (2), intron variant (3).
Genome position (GRCh38, 1-based): chr2:214,781,201, C>G on the plus strand (G>C on the coding strand, the complement: BARD1 is on the minus strand). VCF-style: chr2-214781201-C-G. GRCh37 (hg19) VCF-style: chr2-215645925-C-G.
Other names: c.616G>C, p.Glu206Gln (NM_001282543.2); c.158+28211G>C (NM_001282548.2); c.215+15860G>C (NM_001282545.2); c.364+11096G>C (NM_001282549.2); short protein forms E225Q, E206Q.
Identifiers: ClinVar variation 418057 (VCV000418057.7), dbSNP rs1064793049, ClinGen allele CA16617450.